The following is an entry in ClinVar:

NM_015599.3(PGM3):c.784C>T (p.Gln262Ter)

Gene: PGM3 (phosphoglucomutase 3; minus strand). Cytogenetic location: 6q14.1.
Variant type: single nucleotide variant.
Coding change: c.784C>T on transcript NM_015599.3 (MANE Select); coding-DNA position 784, C replaced by T.
Protein change: p.Gln262Ter; replaces glutamine 262 with a stop codon.
Molecular consequence: nonsense. On other transcripts: non-coding transcript variant (1).
Genome position (GRCh38, 1-based): chr6:83,181,739, G>A on the plus strand (C>T on the coding strand, the complement: PGM3 is on the minus strand). VCF-style: chr6-83181739-G-A. GRCh37 (hg19) VCF-style: chr6-83891458-G-A.
Other names: c.868C>T, p.Gln290Ter (NM_001199917.2, NM_001367287.1); c.541C>T, p.Gln181Ter (NM_001199918.2); c.784C>T, p.Gln262Ter (NM_001199919.2, NM_001367286.1); short protein forms Q181*, Q262*, Q290*.
Identifiers: ClinVar variation 1071477 (VCV001071477.8), dbSNP rs1293351659, ClinGen allele CA364881801.

ClinVar aggregate classification (germline): Pathogenic/Likely pathogenic. Review status: criteria provided, multiple submitters, no conflicts (2 of 4 stars). 2 submissions from 2 submitters: Pathogenic (1); Likely pathogenic (1). Last evaluated 2023-03-14.

Conditions:
PGM3-related disorder. Also called: PGM3-related condition.
Immunodeficiency 23 (IMD23). Also called: IMMUNODEFICIENCY WITH HYPER IgE AND COGNITIVE IMPAIRMENT; IMMUNODEFICIENCY-VASCULITIS-MYOCLONUS SYNDROME. Identifiers: Orphanet 443811, MedGen C4014371, MONDO:0014353, OMIM 615816.

Allele frequency attached by ClinVar (database versions not stated): gnomAD exomes below 0.00001 and 0.00002.

Submissions (2):

Labcorp Genetics (formerly Invitae), Labcorp
Classification: Pathogenic for Immunodeficiency 23. Last evaluated: 2023-03-14. Review status: criteria provided, single submitter. Criteria: Invitae Variant Classification Sherloc (09022015). Collection method: clinical testing. Allele origin: germline.
Comment: For these reasons, this variant has been classified as Pathogenic. ClinVar contains an entry for this variant (Variation ID: 1071477). This variant has not been reported in the literature in individuals affected with PGM3-related conditions. This variant is present in population databases (no rsID available, gnomAD 0.0009%). This sequence change creates a premature translational stop signal (p.Gln290*) in the PGM3 gene. It is expected to result in an absent or disrupted protein product. Loss-of-function variants in PGM3 are known to be pathogenic (PMID: 17548465, 24589341, 24931394).

Blueprint Genetics
Classification: Likely pathogenic for PGM3-related disorders. Last evaluated: 2022-11-28. Review status: criteria provided, single submitter. Criteria: ACMG Guidelines, 2015. Collection method: clinical testing. Allele origin: germline. Affected: yes. Observed: 2 variant alleles.

Literature cited by the submitters: PubMed 17548465 (cited by Labcorp Genetics (formerly Invitae), Labcorp); PubMed 24589341 (cited by Labcorp Genetics (formerly Invitae), Labcorp); PubMed 24931394 (cited by Labcorp Genetics (formerly Invitae), Labcorp).